The following is an entry in ClinVar:

ClinVar aggregate classification (germline): Uncertain significance (1 of 4 stars; one submission).

Allele frequency attached by ClinVar (database versions not stated): gnomAD 0.00002; TOPMed 0.00002.
gnomAD v4.1: 11 of 1,613,632 alleles (0.00068%); highest among the groups gnomAD compares: Non-Finnish European, 0.00093%; no homozygotes.

Submission:

GeneDx
Classification: Uncertain significance. Last evaluated: 2022-01-04. Review status: criteria provided, single submitter. Criteria: GeneDx Variant Classification Process June 2021. Collection method: clinical testing. Allele origin: germline. Affected: yes.
Comment: In silico analysis supports that this missense variant does not alter protein structure/function; Has not been previously published as pathogenic or benign to our knowledge

NM_000168.6(GLI3):c.1983G>C (p.Gln661His)

Gene: GLI3 (GLI family zinc finger 3; minus strand). Cytogenetic location: 7p14.1.
Variant type: single nucleotide variant.
Coding change: c.1983G>C on transcript NM_000168.6 (MANE Select); coding-DNA position 1983, G replaced by C.
Protein change: p.Gln661His; replaces glutamine 661 with histidine.
Molecular consequence: missense variant.
Genome position (GRCh38, 1-based): chr7:41,972,457, C>G on the plus strand (G>C on the coding strand, the complement: GLI3 is on the minus strand). VCF-style: chr7-41972457-C-G. GRCh37 (hg19) VCF-style: chr7-42012056-C-G.
Other names: short protein forms Q661H.
Identifiers: ClinVar variation 1693447 (VCV001693447.2), dbSNP rs564000094, ClinGen allele CA4230717.